The following is an entry in ClinVar:

NM_015909.4(NBAS):c.4660-13T>G

Gene: NBAS (NBAS subunit of NRZ tethering complex; minus strand). Cytogenetic location: 2p24.3.
Variant type: single nucleotide variant.
Coding change: c.4660-13T>G on transcript NM_015909.4 (MANE Select); 13 bases into the intron before coding-DNA position 4660, T replaced by G.
Molecular consequence: intron variant.
Genome position (GRCh38, 1-based): chr2:15,308,366, A>C on the plus strand (T>G on the coding strand, the complement: NBAS is on the minus strand). VCF-style: chr2-15308366-A-C. GRCh37 (hg19) VCF-style: chr2-15448490-A-C.
Identifiers: ClinVar variation 2000984 (VCV002000984.4), dbSNP rs780025303, ClinGen allele CA2490836542.

ClinVar aggregate classification (germline): Uncertain significance (1 of 4 stars; one submission).

Allele frequency attached by ClinVar (database versions not stated): TOPMed below 0.00001.

Submission:

Labcorp Genetics (formerly Invitae), Labcorp
Classification: Uncertain significance. Last evaluated: 2022-05-30. Review status: criteria provided, single submitter. Criteria: Invitae Variant Classification Sherloc (09022015). Collection method: clinical testing. Allele origin: germline.
Comment: This sequence change falls in intron 39 of the NBAS gene. It does not directly change the encoded amino acid sequence of the NBAS protein. This variant is not present in population databases (gnomAD no frequency). This variant has not been reported in the literature in individuals affected with NBAS-related conditions. Algorithms developed to predict the effect of sequence changes on RNA splicing suggest that this variant may disrupt the consensus splice site. In summary, the available evidence is currently insufficient to determine the role of this variant in disease. Therefore, it has been classified as a Variant of Uncertain Significance.